The following is an entry in ClinVar:

NM_014112.5(TRPS1):c.1389dup (p.Leu464fs)

Gene: TRPS1 (transcriptional repressor GATA binding 1; minus strand). Cytogenetic location: 8q23.3.
Variant type: Duplication.
Coding change: c.1389dup on transcript NM_014112.5 (MANE Select); coding-DNA position 1389, one base duplicated (A; older notation c.1389dupA).
Protein change: p.Leu464fs; shifts the reading frame from leucine 464.
Molecular consequence: frameshift variant.
Genome position (GRCh38, 1-based): chr8:115,604,580, T duplicated on the plus strand (A on the coding strand, the reverse complement: TRPS1 is on the minus strand); the first of 3 consecutive T bases (chr8:115,604,580-115,604,582); duplicating any one gives the same sequence. VCF-style (leftmost placement, unchanged base first): chr8-115604579-G-GT. GRCh37 (hg19) VCF-style: chr8-116616806-G-GT.
Other names: c.1362dup, p.Leu455fs (NM_001282902.3); c.1368dup, p.Leu457fs (NM_001282903.3); c.1350dup, p.Leu451fs (NM_001330599.2); short protein forms L451fs, L455fs, L457fs, L464fs.
Identifiers: ClinVar variation 4851499 (VCV004851499.1).

ClinVar aggregate classification (germline): Pathogenic (1 of 4 stars; one submission).

Conditions:
Trichorhinophalangeal dysplasia type I (TRPS1). Also called: TRICHORHINOPHALANGEAL SYNDROME, TYPE I; TRPS I. Identifiers: Orphanet 77258, MedGen C0432233, MONDO:0008596, OMIM 190350.

Submission:

Division of Clinical Genetics, Department of Pediatrics, Seoul National University Children's Hospital
Classification: Pathogenic for Trichorhinophalangeal dysplasia type I. Last evaluated: 2026-05-24. Review status: criteria provided, single submitter. Criteria: ACMG Guidelines, 2015. Collection method: clinical testing. Allele origin: de novo. Affected: yes.
Comment: TRPS1 loss-of-function variants are an established cause of Trichorhinophalangeal syndrome, type I (TRPS1; OMIM #190350). The variant NM_014112.5:c.1389dupA is located in exon 4 of TRPS1 and results in a frameshift, predicted to lead to nonsense-mediated mRNA decay or a truncated non-functional protein, qualifying as a null variant (PVS1). This variant is absent from the general population in gnomAD v4.1.1 (PM2). Based on these findings, this variant is classified as Pathogenic according to the ACMG/AMP variant interpretation guidelines (Richards et al., 2015, PMID:25741868).